The following is an entry in ClinVar:

NM_032119.4(ADGRV1):c.14704G>C (p.Ala4902Pro)

Gene: ADGRV1 (adhesion G protein-coupled receptor V1; plus strand). Cytogenetic location: 5q14.3.
Variant type: single nucleotide variant.
Coding change: c.14704G>C on transcript NM_032119.4 (MANE Select); coding-DNA position 14704, G replaced by C.
Protein change: p.Ala4902Pro; replaces alanine 4902 with proline.
Molecular consequence: missense variant. On other transcripts: non-coding transcript variant (1).
Genome position (GRCh38, 1-based): chr5:90,805,326, G>C. VCF-style: chr5-90805326-G-C. GRCh37 (hg19) VCF-style: chr5-90101143-G-C.
Other names: short protein forms A4902P.
Identifiers: ClinVar variation 1515142 (VCV001515142.8), dbSNP rs762937667, ClinGen allele CA360406159.
Genomic context (GRCh38, chr5:90,805,326, plus strand): 5'-AGCATGATTTTCCCTCAGGTCGGATTTGAATCCACTGCTTTTCAACTCATGAACATCACT[G>C]CTGGCACAAGCCACGTTATGATTTCTAGGAGAGGCACATATGGAGCTCTCTCGGTTGCCT-3'
Protein context (NP_115495.3, residues 4892-4912): STAFQLMNIT[Ala4902Pro]GTSHVMISRR

ClinVar aggregate classification (germline): Uncertain significance (1 of 4 stars; one submission).

Submission:

Labcorp Genetics (formerly Invitae), Labcorp
Classification: Uncertain significance. Last evaluated: 2021-03-08. Review status: criteria provided, single submitter. Criteria: Invitae Variant Classification Sherloc (09022015). Collection method: clinical testing. Allele origin: germline.
Comment: This sequence change replaces alanine with proline at codon 4902 of the ADGRV1 protein (p.Ala4902Pro). The alanine residue is moderately conserved and there is a small physicochemical difference between alanine and proline. This variant is not present in population databases (ExAC no frequency). This variant has not been reported in the literature in individuals with ADGRV1-related conditions. Algorithms developed to predict the effect of missense changes on protein structure and function are either unavailable or do not agree on the potential impact of this missense change (SIFT: "Tolerated"; PolyPhen-2: "Possibly Damaging"; Align-GVGD: "Class C0"). In summary, the available evidence is currently insufficient to determine the role of this variant in disease. Therefore, it has been classified as a Variant of Uncertain Significance.